The following is an entry in ClinVar:

NM_004415.4(DSP):c.939+2T>C

Gene: DSP (desmoplakin; plus strand). Cytogenetic location: 6p24.3.
Variant type: single nucleotide variant.
Coding change: c.939+2T>C on transcript NM_004415.4 (MANE Select); the canonical splice donor site of the intron after coding-DNA position 939, T replaced by C.
Molecular consequence: splice donor variant.
Genome position (GRCh38, 1-based): chr6:7,565,522, T>C. VCF-style: chr6-7565522-T-C. GRCh37 (hg19) VCF-style: chr6-7565755-T-C.
Other names: c.939+2T>C (NM_001319034.2, NM_001008844.3, NM_001406591.1).
Identifiers: ClinVar variation 1467653 (VCV001467653.6), dbSNP rs2113669594, ClinGen allele CA362674739.
Genomic context (GRCh38, chr6:7,565,522, plus strand): 5'-TGCTGTACGACTGGAGCGACAAGAACACCAACATCGCTCAGAAACAGGAGGCCTTCTCCG[T>C]AAGTTCACCCCACGCGGCTGTAGATGCTTGTCTTGAGCCTGTTGCCTTGAAGAGCTGGGG-3'

ClinVar aggregate classification (germline): Pathogenic (1 of 4 stars; one submission).

Conditions:
Arrhythmogenic right ventricular dysplasia 8 (ARVD8). Also called: Arrhythmogenic Right Ventricular Dysplasia/Cardiomyopathy 8; ARRHYTHMOGENIC RIGHT VENTRICULAR DYSPLASIA, FAMILIAL, 8; ARRHYTHMOGENIC RIGHT VENTRICULAR CARDIOMYOPATHY 8. Identifiers: MedGen C1843896, MONDO:0011831, OMIM 607450.
Arrhythmogenic cardiomyopathy with wooly hair and keratoderma. Also called: Carvajal syndrome; Dilated cardiomyopathy with woolly hair and keratoderma; Arrhythmogenic cardiomyopathy with woolly hair and keratoderma; PALMOPLANTAR KERATODERMA WITH LEFT VENTRICULAR CARDIOMYOPATHY AND WOOLLY HAIR. Identifiers: Orphanet 65282, MedGen C1854063, MONDO:0011581, OMIM 605676.

Submission:

Labcorp Genetics (formerly Invitae), Labcorp
Classification: Pathogenic for Arrhythmogenic cardiomyopathy with wooly hair and keratoderma; Arrhythmogenic right ventricular dysplasia 8. Last evaluated: 2022-11-15. Review status: criteria provided, single submitter. Criteria: Invitae Variant Classification Sherloc (09022015). Collection method: clinical testing. Allele origin: germline.
Comment: For these reasons, this variant has been classified as Pathogenic. Studies have shown that disruption of this splice site results in retention of intron 7 and introduces a premature termination codon (PMID: 10594734). The resulting mRNA is expected to undergo nonsense-mediated decay. ClinVar contains an entry for this variant (Variation ID: 1467653). Disruption of this splice site has been observed in individuals with arrhythmogenic cardiomyopathy (PMID: 20864495; Invitae). This variant is not present in population databases (gnomAD no frequency). This sequence change affects a donor splice site in intron 7 of the DSP gene. RNA analysis indicates that disruption of this splice site induces altered splicing and may result in an absent or disrupted protein product.

Literature cited by the submitters: PubMed 10594734; PubMed 20864495.